The following is an entry in ClinVar:

NM_021625.5(TRPV4):c.853+5G>A

Gene: TRPV4 (transient receptor potential cation channel subfamily V member 4; minus strand). Cytogenetic location: 12q24.11.
Variant type: single nucleotide variant.
Coding change: c.853+5G>A on transcript NM_021625.5 (MANE Select); 5 bases into the intron after coding-DNA position 853, G replaced by A.
Molecular consequence: intron variant.
Genome position (GRCh38, 1-based): chr12:109,800,613, C>T on the plus strand (G>A on the coding strand, the complement: TRPV4 is on the minus strand). VCF-style: chr12-109800613-C-T. GRCh37 (hg19) VCF-style: chr12-110238418-C-T.
Other names: c.713-1701G>A (NM_001177433.1, NM_001177428.1); c.853+5G>A (NM_147204.2); c.751+5G>A (NM_001177431.1).
Identifiers: ClinVar variation 3624395 (VCV003624395.2).

ClinVar aggregate classification (germline): Uncertain significance (1 of 4 stars; one submission).

Conditions:
Charcot-Marie-Tooth disease axonal type 2C (HMSN2C). Also called: CHARCOT-MARIE-TOOTH DISEASE, AXONAL, AUTOSOMAL DOMINANT, TYPE 2C; Charcot-Marie-Tooth Neuropathy Type 2C; Charcot-Marie-Tooth Disease Type 2, TRPV4-Related (CMT2C). Identifiers: Orphanet 99937, MedGen C1853710, MONDO:0011633, OMIM 606071.

gnomAD v4.1: 1 of 1,614,192 alleles (0.000062%); highest among the groups gnomAD compares: Admixed American, 0.0017%; no homozygotes.

Submission:

Labcorp Genetics (formerly Invitae), Labcorp
Classification: Uncertain significance for Charcot-Marie-Tooth disease axonal type 2C. Last evaluated: 2024-12-20. Review status: criteria provided, single submitter. Criteria: Invitae Variant Classification Sherloc (09022015). Collection method: clinical testing. Allele origin: germline.
Comment: This sequence change falls in intron 5 of the TRPV4 gene. It does not directly change the encoded amino acid sequence of the TRPV4 protein. It affects a nucleotide within the consensus splice site. This variant is not present in population databases (gnomAD no frequency). This variant has not been reported in the literature in individuals affected with TRPV4-related conditions. Variants that disrupt the consensus splice site are a relatively common cause of aberrant splicing (PMID: 17576681, 9536098). Algorithms developed to predict the effect of sequence changes on RNA splicing suggest that this variant is not likely to affect RNA splicing. In summary, the available evidence is currently insufficient to determine the role of this variant in disease. Therefore, it has been classified as a Variant of Uncertain Significance.

Literature cited by the submitters: PubMed 17576681; PubMed 9536098.